The following is an entry in ClinVar:

ClinVar aggregate classification (germline): Conflicting classifications of pathogenicity. Review status: criteria provided, conflicting classifications (1 of 4 stars). 2 submissions from 2 submitters: Uncertain significance (1); Likely benign (1). Last evaluated 2020-05-29.

Allele frequency attached by ClinVar (database versions not stated): gnomAD exomes 0.00003 and 0.00008; ExAC 0.00009; ESP Exome Variant Server 0.00024; gnomAD 0.00029; TOPMed 0.00031; 1000 Genomes Project 30x 0.00062.

Submissions (2):

GeneDx
Classification: Likely benign. Last evaluated: 2020-05-29. Review status: criteria provided, single submitter. Criteria: GeneDx Variant Classification Process June 2021. Collection method: clinical testing. Allele origin: germline. Affected: yes.

Labcorp Genetics (formerly Invitae), Labcorp
Classification: Uncertain significance. Last evaluated: 2020-02-18. Review status: criteria provided, single submitter. Criteria: Invitae Variant Classification Sherloc (09022015). Collection method: clinical testing. Allele origin: germline.
Comment: This sequence change falls in intron 53 of the HSPG2 gene. It does not directly change the encoded amino acid sequence of the HSPG2 protein, but it affects a nucleotide within the consensus splice site of the intron. This variant is present in population databases (rs755442255, ExAC 0.1%). This variant has not been reported in the literature in individuals with HSPG2-related conditions. Nucleotide substitutions within the consensus splice site are a relatively common cause of aberrant splicing (PMID: 17576681, 9536098). Algorithms developed to predict the effect of sequence changes on RNA splicing suggest that this variant may disrupt the consensus splice site, but this prediction has not been confirmed by published transcriptional studies. In summary, the available evidence is currently insufficient to determine the role of this variant in disease. Therefore, it has been classified as a Variant of Uncertain Significance.

Literature cited by the submitters: PubMed 17576681 (cited by Labcorp Genetics (formerly Invitae), Labcorp); PubMed 9536098 (cited by Labcorp Genetics (formerly Invitae), Labcorp).

NM_005529.7(HSPG2):c.6870+5dup

Genes: HSPG2 (heparan sulfate proteoglycan 2; minus strand), LOC126805655 (CDK7 strongly-dependent group 2 enhancer GRCh37_chr1:22178409-22179608; plus strand). Cytogenetic location: 1p36.12.
Variant type: Duplication.
Coding change: c.6870+5dup on transcript NM_005529.7 (MANE Select); 5 bases into the intron after coding-DNA position 6870, one base duplicated (A; older notation c.6870+5dupA).
Molecular consequence: intron variant.
Genome position (GRCh38, 1-based): chr1:21,852,083, T duplicated on the plus strand (A on the coding strand, the reverse complement: HSPG2 is on the minus strand). VCF-style (leftmost placement, unchanged base first): chr1-21852082-C-CT. GRCh37 (hg19) VCF-style: chr1-22178575-C-CT.
Other names: c.6873+5dup (NM_001291860.2).
Identifiers: ClinVar variation 1057330 (VCV001057330.8), dbSNP rs755442255, ClinGen allele CA671411.